The following is an entry in ClinVar:

ClinVar aggregate classification (germline): Benign. Review status: criteria provided, multiple submitters, no conflicts (2 of 4 stars). 2 submissions from 2 submitters: Benign (2). Last evaluated 2018-11-10.

Allele frequency attached by ClinVar (database versions not stated): TOPMed 0.49302; ESP Exome Variant Server 0.50907; 1000 Genomes Project 0.39277; 1000 Genomes Project 30x 0.40490.
gnomAD v4.1: 869,687 of 1,608,798 alleles (54%); highest among the groups gnomAD compares: Non-Finnish European, 57%; 242,894 homozygotes.

Submissions (2):

GeneDx
Classification: Benign. Last evaluated: 2018-11-10. Review status: criteria provided, single submitter. Criteria: GeneDx Variant Classification Process June 2021. Collection method: clinical testing. Allele origin: germline. Affected: yes.
Comment: This variant is associated with the following publications: (PMID: 21412248, 18364739)

Breakthrough Genomics
Classification: Benign. Review status: criteria provided, single submitter. Criteria: ACMG Guidelines, 2015. Collection method: not provided. Allele origin: germline. Inheritance: Autosomal recessive inheritance. Affected: yes.

NM_005213.4(CSTA):c.105C>T (p.Tyr35=)

Gene: CSTA (cystatin A; plus strand). Cytogenetic location: 3q21.1.
Variant type: single nucleotide variant.
Coding change: c.105C>T on transcript NM_005213.4 (MANE Select); coding-DNA position 105, C replaced by T.
Protein change: p.Tyr35=; no amino-acid change (tyrosine 35 retained).
Molecular consequence: synonymous variant.
Genome position (GRCh38, 1-based): chr3:122,337,585, C>T. VCF-style: chr3-122337585-C-T. GRCh37 (hg19) VCF-style: chr3-122056432-C-T.
Identifiers: ClinVar variation 1297253 (VCV001297253.3), dbSNP rs17589, ClinGen allele CA2570010.
Genomic context (GRCh38, chr3:122,337,585, plus strand): 5'-TTTCCTCTTTTCTTTTCTTTAGGTTAAACCACAGCTTGAAGAAAAAACAAATGAGACTTA[C>T]GGAAAATTGGAAGCTGTGCAGTATAAAACTCAAGTTGTTGCTGGAACAAATTACTACATT-3'
Protein context (NP_005204.1, residues 25-45): PQLEEKTNET[Tyr35=]GKLEAVQYKT